The following is an entry in ClinVar:

NM_022167.4(XYLT2):c.1336C>T (p.Leu446=)

Gene: XYLT2 (xylosyltransferase 2; plus strand). Cytogenetic location: 17q21.33.
Variant type: single nucleotide variant.
Coding change: c.1336C>T on transcript NM_022167.4 (MANE Select); coding-DNA position 1336, C replaced by T.
Protein change: p.Leu446=; no amino-acid change (leucine 446 retained).
Molecular consequence: synonymous variant.
Genome position (GRCh38, 1-based): chr17:50,356,115, C>T. VCF-style: chr17-50356115-C-T. GRCh37 (hg19) VCF-style: chr17-48433476-C-T.
Identifiers: ClinVar variation 3338621 (VCV003338621.1).

ClinVar aggregate classification (germline): Uncertain significance (1 of 4 stars; one submission).

Submission:

Greenwood Genetic Center Diagnostic Laboratories, Greenwood Genetic Center
Classification: Uncertain significance. Last evaluated: 2024-05-03. Review status: criteria provided, single submitter. Criteria: ACMG Guidelines, 2015. Collection method: clinical testing. Allele origin: germline. Affected: yes.
Comment: Gene of Uncertain Significance